The following is an entry in ClinVar:

ClinVar aggregate classification (germline): Uncertain significance. Review status: criteria provided, multiple submitters, no conflicts (2 of 4 stars). 3 submissions from 3 submitters: Uncertain significance (3). Last evaluated 2024-11-20.

Conditions:
Hereditary cancer-predisposing syndrome. Also called: Neoplastic Syndromes, Hereditary; Hereditary Cancer Syndrome; Tumor predisposition; Hereditary neoplastic syndrome. Identifiers: Orphanet 140162, MedGen C0027672, MeSH D009386, MONDO:0015356.
Hereditary nonpolyposis colorectal neoplasms. Identifiers: MedGen C0009405, MeSH D003123.

Submissions (3):

Ambry Genetics
Classification: Uncertain significance for Hereditary cancer-predisposing syndrome. Last evaluated: 2024-11-20. Review status: criteria provided, single submitter. Criteria: Ambry Variant Classification Scheme 2023. Collection method: clinical testing. Allele origin: germline.
Comment: The p.G259A variant (also known as c.776G>C), located in coding exon 4 of the MSH6 gene, results from a G to C substitution at nucleotide position 776. The glycine at codon 259 is replaced by alanine, an amino acid with similar properties. This amino acid position is conserved. In addition, this alteration is predicted to be tolerated by in silico analysis. Based on the available evidence, the clinical significance of this variant remains unclear.

Color Diagnostics, LLC DBA Color Health
Classification: Uncertain significance for Hereditary cancer-predisposing syndrome. Last evaluated: 2023-12-04. Review status: criteria provided, single submitter. Criteria: ACMG Guidelines, 2015. Collection method: clinical testing. Allele origin: germline.
Comment: This missense variant replaces glycine with alanine at codon 259 of the MSH6 protein. Computational prediction suggests that this variant may not impact protein structure and function (internally defined REVEL score threshold <= 0.5, PMID: 27666373). To our knowledge, functional studies have not been reported for this variant. This variant has not been reported in individuals affected with MSH6-related disorders in the literature. This variant has not been identified in the general population by the Genome Aggregation Database (gnomAD). The available evidence is insufficient to determine the role of this variant in disease conclusively. Therefore, this variant is classified as a Variant of Uncertain Significance.

Labcorp Genetics (formerly Invitae), Labcorp
Classification: Uncertain significance for Hereditary nonpolyposis colorectal neoplasms. Last evaluated: 2023-01-20. Review status: criteria provided, single submitter. Criteria: Invitae Variant Classification Sherloc (09022015). Collection method: clinical testing. Allele origin: germline.
Comment: This variant has not been reported in the literature in individuals affected with MSH6-related conditions. This variant is not present in population databases (gnomAD no frequency). This sequence change replaces glycine, which is neutral and non-polar, with alanine, which is neutral and non-polar, at codon 259 of the MSH6 protein (p.Gly259Ala). Advanced modeling of protein sequence and biophysical properties (such as structural, functional, and spatial information, amino acid conservation, physicochemical variation, residue mobility, and thermodynamic stability) performed at Invitae indicates that this missense variant is not expected to disrupt MSH6 protein function. ClinVar contains an entry for this variant (Variation ID: 927749). In summary, the available evidence is currently insufficient to determine the role of this variant in disease. Therefore, it has been classified as a Variant of Uncertain Significance.

NM_000179.3(MSH6):c.776G>C (p.Gly259Ala)

Gene: MSH6 (mutS homolog 6; plus strand). Cytogenetic location: 2p16.3.
Variant type: single nucleotide variant.
Coding change: c.776G>C on transcript NM_000179.3 (MANE Select); coding-DNA position 776, G replaced by C.
Protein change: p.Gly259Ala; replaces glycine 259 with alanine.
Molecular consequence: missense variant. On other transcripts: 5 prime UTR variant (2).
Genome position (GRCh38, 1-based): chr2:47,798,759, G>C. VCF-style: chr2-47798759-G-C. GRCh37 (hg19) VCF-style: chr2-48025898-G-C.
Other names: c.386G>C, p.Gly129Ala (NM_001281492.2); c.-131G>C (NM_001281493.2, NM_001281494.2); short protein forms G259A, G129A.
Identifiers: ClinVar variation 927749 (VCV000927749.7), dbSNP rs1404814811, ClinGen allele CA346740232.